The following is an entry in ClinVar:

ClinVar aggregate classification (germline): Uncertain significance (1 of 4 stars; one submission).

Conditions:
Amyotrophic lateral sclerosis type 1 (ALS1). Also called: AMYOTROPHIC LATERAL SCLEROSIS 1, FAMILIAL. Identifiers: Orphanet 803, MedGen C1862939, MONDO:0007103, OMIM 105400.
Neuronopathy, distal hereditary motor, type 7B. Also called: HMN VIIB; LOWER MOTOR NEURON DISEASE, DYNACTIN TYPE; NEURONOPATHY, DISTAL HEREDITARY MOTOR, AUTOSOMAL DOMINANT 14; NEURONOPATHY, DISTAL HEREDITARY MOTOR, HARDING TYPE VIIB; NEUROPATHY, DISTAL HEREDITARY MOTOR, HARDING TYPE VIIB; NEUROPATHY, DISTAL HEREDITARY MOTOR, WITH VOCAL CORD PARALYSIS, HARDING TYPE VIIB. Identifiers: Orphanet 139589, MedGen C1843315, MONDO:0011879, OMIM 607641.
Perry syndrome. Also called: PARKINSONISM WITH ALVEOLAR HYPOVENTILATION AND MENTAL DEPRESSION. Identifiers: Orphanet 178509, MedGen C1868594, MONDO:0008201, OMIM 168605.

Allele frequency attached by ClinVar (database versions not stated): gnomAD exomes below 0.00001; ExAC 0.00001.
gnomAD v4.1: 1 of 1,614,182 alleles (0.000062%); highest among the groups gnomAD compares: Non-Finnish European, 0.000085%; no homozygotes.

Submission:

Labcorp Genetics (formerly Invitae), Labcorp
Classification: Uncertain significance for Amyotrophic lateral sclerosis type 1; Neuronopathy, distal hereditary motor, type 7B; Perry syndrome. Last evaluated: 2023-06-20. Review status: criteria provided, single submitter. Criteria: Invitae Variant Classification Sherloc (09022015). Collection method: clinical testing. Allele origin: germline.
Comment: This variant has not been reported in the literature in individuals affected with DCTN1-related conditions. This sequence change replaces proline, which is neutral and non-polar, with serine, which is neutral and polar, at codon 1053 of the DCTN1 protein (p.Pro1053Ser). This variant is present in population databases (rs757668957, gnomAD 0.0009%). Advanced modeling of protein sequence and biophysical properties (such as structural, functional, and spatial information, amino acid conservation, physicochemical variation, residue mobility, and thermodynamic stability) performed at Invitae indicates that this missense variant is not expected to disrupt DCTN1 protein function. In summary, the available evidence is currently insufficient to determine the role of this variant in disease. Therefore, it has been classified as a Variant of Uncertain Significance.

NM_004082.5(DCTN1):c.3157C>T (p.Pro1053Ser)

Gene: DCTN1 (dynactin subunit 1; minus strand). Cytogenetic location: 2p13.1.
Variant type: single nucleotide variant.
Coding change: c.3157C>T on transcript NM_004082.5 (MANE Select); coding-DNA position 3157, C replaced by T.
Protein change: p.Pro1053Ser; replaces proline 1053 with serine.
Molecular consequence: missense variant. On other transcripts: non-coding transcript variant (1).
Genome position (GRCh38, 1-based): chr2:74,365,114, G>A on the plus strand (C>T on the coding strand, the complement: DCTN1 is on the minus strand). VCF-style: chr2-74365114-G-A. GRCh37 (hg19) VCF-style: chr2-74592241-G-A.
Other names: c.3097C>T, p.Pro1033Ser (NM_001135040.3); c.2755C>T, p.Pro919Ser (NM_001135041.3, NM_023019.4); c.3046C>T, p.Pro1016Ser (NM_001190836.2); c.3136C>T, p.Pro1046Ser (NM_001190837.2); c.3106C>T, p.Pro1036Ser (NM_001378991.1); c.3088C>T, p.Pro1030Ser (NM_001378992.1); short protein forms P1030S, P1053S, P1016S, P1033S, P1036S, P919S, P1046S.
Identifiers: ClinVar variation 2949014 (VCV002949014.3), dbSNP rs757668957, ClinGen allele CA1721611.